The following is an entry in ClinVar:

NM_000492.4(CFTR):c.3140-10T>G

Genes: CFTR-AS2 (CFTR antisense RNA 2; minus strand), CFTR (CF transmembrane conductance regulator; plus strand), LOC111674472 (DNase I hypersensitive sites in introns 16 and 17a of CFTR; plus strand). Cytogenetic location: 7q31.2.
Variant type: single nucleotide variant.
Coding change: c.3140-10T>G on transcript NM_000492.4 (MANE Select); 10 bases into the intron before coding-DNA position 3140, T replaced by G.
Molecular consequence: intron variant.
Genome position (GRCh38, 1-based): chr7:117,611,571, T>G. VCF-style: chr7-117611571-T-G. GRCh37 (hg19) VCF-style: chr7-117251625-T-G.
Identifiers: ClinVar variation 4532959 (VCV004532959.1).
Genomic context (GRCh38, chr7:117,611,571, plus strand): 5'-TACAAGATATTATGAAATTACATTTTGTGTTTATGTTATTTGCAATGTTTTCTATGGAAA[T>G]ATTTCACAGGCAGGAGTCCAATTTTCACTCATCTTGTTACAAGCTTAAAAGGACTATGGA-3'

ClinVar aggregate classification (germline): Uncertain significance (1 of 4 stars; one submission).

Submission:

Quest Diagnostics Nichols Institute San Juan Capistrano
Classification: Uncertain significance. Last evaluated: 2025-04-14. Review status: criteria provided, single submitter. Criteria: Quest Diagnostics criteria. Collection method: clinical testing. Allele origin: unknown.
Comment: The CFTR c.3140-10T>G variant has been reported in the published literature in the published literature in at least two individuals from two families with a confirmed diagnosis of cystic fibrosis (CF) (PMID: 32026723 (2020)). This variant has not been reported in large, multi-ethnic general populations (Genome Aggregation Database). Analysis of this variant using software algorithms for the prediction of the effect of nucleotide changes on CFTR mRNA splicing yielded inconclusive findings. Based on the available information, we are unable to determine the clinical significance of this variant.

Literature cited by the submitters: PubMed 32026723.